The following is an entry in ClinVar:

NM_005027.4(PIK3R2):c.416-3C>T

Gene: PIK3R2 (phosphoinositide-3-kinase regulatory subunit 2; plus strand). Cytogenetic location: 19p13.11.
Variant type: single nucleotide variant.
Coding change: c.416-3C>T on transcript NM_005027.4 (MANE Select); 3 bases into the intron before coding-DNA position 416, C replaced by T.
Molecular consequence: intron variant.
Genome position (GRCh38, 1-based): chr19:18,160,916, C>T. VCF-style: chr19-18160916-C-T. GRCh37 (hg19) VCF-style: chr19-18271726-C-T.
Identifiers: ClinVar variation 3683090 (VCV003683090.2).

ClinVar aggregate classification (germline): Uncertain significance (1 of 4 stars; one submission).

Conditions:
Megalencephaly-polymicrogyria-postaxial polydactyly-hydrocephalus syndrome. Also called: MPPH Syndrome; MEG-PMG-MEGACC SYNDROME. Identifiers: Orphanet 83473, MedGen C1863924, MONDO:0019375.

Submission:

Labcorp Genetics (formerly Invitae), Labcorp
Classification: Uncertain significance for Megalencephaly-polymicrogyria-postaxial polydactyly-hydrocephalus syndrome. Last evaluated: 2024-10-01. Review status: criteria provided, single submitter. Criteria: Invitae Variant Classification Sherloc (09022015). Collection method: clinical testing. Allele origin: germline.
Comment: This sequence change falls in intron 3 of the PIK3R2 gene. It does not directly change the encoded amino acid sequence of the PIK3R2 protein. It affects a nucleotide within the consensus splice site. This variant is not present in population databases (gnomAD no frequency). This variant has not been reported in the literature in individuals affected with PIK3R2-related conditions. Variants that disrupt the consensus splice site are a relatively common cause of aberrant splicing (PMID: 17576681, 9536098). Algorithms developed to predict the effect of sequence changes on RNA splicing suggest that this variant is not likely to affect RNA splicing. In summary, the available evidence is currently insufficient to determine the role of this variant in disease. Therefore, it has been classified as a Variant of Uncertain Significance.

Literature cited by the submitters: PubMed 17576681; PubMed 9536098.